The following is an entry in ClinVar:

NM_002299.4(LCT):c.487G>A (p.Gly163Arg)

Gene: LCT (lactase; minus strand). Cytogenetic location: 2q21.3.
Variant type: single nucleotide variant.
Coding change: c.487G>A on transcript NM_002299.4 (MANE Select); coding-DNA position 487, G replaced by A.
Protein change: p.Gly163Arg; replaces glycine 163 with arginine.
Molecular consequence: missense variant.
Genome position (GRCh38, 1-based): chr2:135,836,683, C>T on the plus strand (G>A on the coding strand, the complement: LCT is on the minus strand). VCF-style: chr2-135836683-C-T. GRCh37 (hg19) VCF-style: chr2-136594253-C-T.
Other names: short protein forms G163R.
Identifiers: ClinVar variation 1483653 (VCV001483653.6), dbSNP rs141337403, ClinGen allele CA1888621.

ClinVar aggregate classification (germline): Uncertain significance (1 of 4 stars; one submission).

Allele frequency attached by ClinVar (database versions not stated): ExAC 0.00003; gnomAD exomes 0.00003; gnomAD 0.00004 and 0.00005; TOPMed 0.00006; ESP Exome Variant Server 0.00008.
gnomAD v4.1: 44 of 1,614,090 alleles (0.0027%); highest among the groups gnomAD compares: East Asian, 0.011%; no homozygotes.

Submission:

Labcorp Genetics (formerly Invitae), Labcorp
Classification: Uncertain significance. Last evaluated: 2025-05-19. Review status: criteria provided, single submitter. Criteria: Invitae Variant Classification Sherloc (09022015). Collection method: clinical testing. Allele origin: germline.
Comment: This sequence change replaces glycine, which is neutral and non-polar, with arginine, which is basic and polar, at codon 163 of the LCT protein (p.Gly163Arg). This variant is present in population databases (rs141337403, gnomAD 0.008%). This variant has not been reported in the literature in individuals affected with LCT-related conditions. ClinVar contains an entry for this variant (Variation ID: 1483653). An algorithm developed to predict the effect of missense changes on protein structure and function (PolyPhen-2) suggests that this variant is likely to be disruptive. In summary, the available evidence is currently insufficient to determine the role of this variant in disease. Therefore, it has been classified as a Variant of Uncertain Significance.